The following is an entry in ClinVar:

NM_002905.5(RDH5):c.65A>G (p.Gln22Arg)

Genes: BLOC1S1-RDH5 (BLOC1S1-RDH5 readthrough; plus strand), RDH5 (retinol dehydrogenase 5; plus strand). Cytogenetic location: 12q13.2.
Variant type: single nucleotide variant.
Coding change: c.65A>G on transcript NM_002905.5 (MANE Select); coding-DNA position 65, A replaced by G.
Protein change: p.Gln22Arg; replaces glutamine 22 with arginine.
Molecular consequence: missense variant.
Genome position (GRCh38, 1-based): chr12:55,721,249, A>G. VCF-style: chr12-55721249-A-G. GRCh37 (hg19) VCF-style: chr12-56115033-A-G.
Other names: c.65A>G, p.Gln22Arg (NM_001199771.3); short protein forms Q22R.
Identifiers: ClinVar variation 1999996 (VCV001999996.4), dbSNP rs2540002350, ClinGen allele CA385199459.
Genomic context (GRCh38, chr12:55,721,249, plus strand): 5'-GGCTGCCTCTTCTGCTGGGTGCCTTACTCTGGGCAGTGCTGTGGTTGCTCAGGGACCGGC[A>G]GAGCCTGCCCGCCAGCAATGCCTTTGTCTTCATCACCGGCTGTGACTCAGGCTTTGGGCG-3'
Protein context (NP_002896.2, residues 12-32): WAVLWLLRDR[Gln22Arg]SLPASNAFVF

ClinVar aggregate classification (germline): Uncertain significance (1 of 4 stars; one submission).

Submission:

Labcorp Genetics (formerly Invitae), Labcorp
Classification: Uncertain significance. Last evaluated: 2024-10-28. Review status: criteria provided, single submitter. Criteria: Invitae Variant Classification Sherloc (09022015). Collection method: clinical testing. Allele origin: germline.
Comment: This sequence change replaces glutamine, which is neutral and polar, with arginine, which is basic and polar, at codon 22 of the RDH5 protein (p.Gln22Arg). This variant is not present in population databases (gnomAD no frequency). This variant has not been reported in the literature in individuals affected with RDH5-related conditions. ClinVar contains an entry for this variant (Variation ID: 1999996). Invitae Evidence Modeling of protein sequence and biophysical properties (such as structural, functional, and spatial information, amino acid conservation, physicochemical variation, residue mobility, and thermodynamic stability) indicates that this missense variant is not expected to disrupt RDH5 protein function with a negative predictive value of 80%. In summary, the available evidence is currently insufficient to determine the role of this variant in disease. Therefore, it has been classified as a Variant of Uncertain Significance.